The following is an entry in ClinVar:

NM_018896.5(CACNA1G):c.3825C>A (p.His1275Gln)

Gene: CACNA1G (calcium voltage-gated channel subunit alpha1 G; plus strand). Cytogenetic location: 17q21.33.
Variant type: single nucleotide variant.
Coding change: c.3825C>A on transcript NM_018896.5 (MANE Select); coding-DNA position 3825, C replaced by A.
Protein change: p.His1275Gln; replaces histidine 1275 with glutamine.
Molecular consequence: missense variant. On other transcripts: non-coding transcript variant (5).
Genome position (GRCh38, 1-based): chr17:50,601,084, C>A. VCF-style: chr17-50601084-C-A. GRCh37 (hg19) VCF-style: chr17-48678445-C-A.
Other names: c.3825C>A, p.His1275Gln (NM_001256324.2, NM_001256325.2, NM_001256326.2 and 16 more transcripts); c.3756C>A, p.His1252Gln (NM_001256332.2, NM_198376.3, NM_198379.3 and 5 more transcripts); short protein forms H1252Q, H1275Q.
Identifiers: ClinVar variation 2431026 (VCV002431026.1), dbSNP rs1448059783, ClinGen allele CA400254733.

ClinVar aggregate classification (germline): Uncertain significance (1 of 4 stars; one submission).

Submission:

GeneDx
Classification: Uncertain significance. Last evaluated: 2022-08-26. Review status: criteria provided, single submitter. Criteria: GeneDx Variant Classification Process June 2021. Collection method: clinical testing. Allele origin: germline. Affected: yes.
Comment: Not observed at significant frequency in large population cohorts (gnomAD); In silico analysis supports that this missense variant has a deleterious effect on protein structure/function; Has not been previously published as pathogenic or benign to our knowledge